The following is an entry in ClinVar:

ClinVar aggregate classification (germline): Uncertain significance (1 of 4 stars; one submission).

gnomAD v4.1: 1 of 1,614,264 alleles (0.000062%); highest among the groups gnomAD compares: Non-Finnish European, 0.000085%; no homozygotes.

Submission:

Labcorp Genetics (formerly Invitae), Labcorp
Classification: Uncertain significance. Last evaluated: 2021-08-27. Review status: criteria provided, single submitter. Criteria: Invitae Variant Classification Sherloc (09022015). Collection method: clinical testing. Allele origin: germline.
Comment: This sequence change replaces histidine with glutamine at codon 1215 of the ABCA4 protein (p.His1215Gln). The histidine residue is highly conserved and there is a small physicochemical difference between histidine and glutamine. This variant is not present in population databases (ExAC no frequency). This variant has not been reported in the literature in individuals affected with ABCA4-related conditions. Algorithms developed to predict the effect of missense changes on protein structure and function are either unavailable or do not agree on the potential impact of this missense change (SIFT: "Deleterious"; PolyPhen-2: "Probably Damaging"; Align-GVGD: "Class C15"). In summary, the available evidence is currently insufficient to determine the role of this variant in disease. Therefore, it has been classified as a Variant of Uncertain Significance.

NM_000350.3(ABCA4):c.3645T>A (p.His1215Gln)

Genes: ABCA4 (ATP binding cassette subfamily A member 4; minus strand), LOC126805794 (BRD4-independent group 4 enhancer GRCh37_chr1:94502188-94503387; plus strand). Cytogenetic location: 1p22.1.
Variant type: single nucleotide variant.
Coding change: c.3645T>A on transcript NM_000350.3 (MANE Select); coding-DNA position 3645, T replaced by A.
Protein change: p.His1215Gln; replaces histidine 1215 with glutamine.
Molecular consequence: missense variant.
Genome position (GRCh38, 1-based): chr1:94,037,313, A>T on the plus strand (T>A on the coding strand, the complement: ABCA4 is on the minus strand). VCF-style: chr1-94037313-A-T. GRCh37 (hg19) VCF-style: chr1-94502869-A-T.
Other names: c.3423T>A, p.His1141Gln (NM_001425324.1); short protein forms H1215Q, H1141Q.
Identifiers: ClinVar variation 1038476 (VCV001038476.6), dbSNP rs1660366503, ClinGen allele CA341289554.